The following is an entry in ClinVar:

NM_198514.4(NHLRC2):c.119A>G (p.Gln40Arg)

Genes: NHLRC2 (NHL repeat containing 2; plus strand), LOC130004775 (ATAC-STARR-seq lymphoblastoid silent region 2838; plus strand). Cytogenetic location: 10q25.3.
Variant type: single nucleotide variant.
Coding change: c.119A>G on transcript NM_198514.4 (MANE Select); coding-DNA position 119, A replaced by G.
Protein change: p.Gln40Arg; replaces glutamine 40 with arginine.
Molecular consequence: missense variant.
Genome position (GRCh38, 1-based): chr10:113,854,991, A>G. VCF-style: chr10-113854991-A-G. GRCh37 (hg19) VCF-style: chr10-115614750-A-G.
Other names: NC_000010.10:g.115614750A>G; short protein forms Q40R.
Identifiers: ClinVar variation 2335159 (VCV002335159.5), dbSNP rs148376909, ClinGen allele CA5697701.

ClinVar aggregate classification (germline): Conflicting classifications of pathogenicity. Review status: criteria provided, conflicting classifications (1 of 4 stars). 3 submissions from 3 submitters: Uncertain significance (1); Likely benign (2). Last evaluated 2025-04-19.

Conditions:
Fibrosis, neurodegeneration, and cerebral angiomatosis. Also called: Fibrosis-neurodegeneration-cerebral angiomatosis syndrome. Identifiers: Orphanet 621758, MedGen C4748939, MONDO:0032651, OMIM 618278.
NHLRC2-related disorder. Also called: NHLRC2-related condition.
Inborn genetic diseases. Identifiers: MedGen C0950123, MeSH D030342.

Allele frequency attached by ClinVar (database versions not stated): gnomAD exomes 0.00010; 1000 Genomes Project 30x 0.00016; ESP Exome Variant Server 0.00086; 1000 Genomes Project 0.00020; ExAC 0.00043; gnomAD 0.00044; TOPMed 0.00064.

Submissions (4):

PreventionGenetics, part of Exact Sciences
Classification: Likely benign for NHLRC2-related condition. Last evaluated: 2025-04-19. Review status: criteria provided, single submitter. Criteria: ACMG Guidelines, 2015. Collection method: clinical testing. Allele origin: germline.
Comment: This variant is classified as likely benign based on ACMG/AMP sequence variant interpretation guidelines (Richards et al. 2015 PMID: 25741868, with internal and published modifications).

3billion
Classification: Likely benign for Fibrosis, neurodegeneration, and cerebral angiomatosis. Last evaluated: 2024-09-20. Review status: criteria provided, single submitter. Criteria: ACMG Guidelines, 2015. Collection method: clinical testing. Allele origin: germline. Affected: no.
Comment: The homozygous variant was found in patients diagnosed with another variant in a different gene, with no symptoms related to the gene containing the homozygous variant.

Ambry Genetics
Classification: Uncertain significance for Inborn genetic diseases. Last evaluated: 2024-01-03. Review status: criteria provided, single submitter. Criteria: Ambry Variant Classification Scheme 2023. Collection method: clinical testing. Allele origin: germline.

Dr. Peter K. Rogan Lab, Western University
No classification provided (evidence only). Condition: Familial cancer of breast. Review status: no classification provided. Collection method: in vitro. Allele origin: not applicable. Functional consequence: retained intron. Not counted in ClinVar's aggregate classification.